The following is an entry in ClinVar:

ClinVar aggregate classification (germline): Conflicting classifications of pathogenicity. Review status: criteria provided, conflicting classifications (1 of 4 stars). 3 submissions from 3 submitters: Uncertain significance (2); Benign (1). Last evaluated 2025-02-17.

Conditions:
Inborn genetic diseases. Identifiers: MedGen C0950123, MeSH D030342.

Allele frequency attached by ClinVar (database versions not stated): gnomAD exomes 0.00006; TOPMed 0.00008; gnomAD 0.00013.
gnomAD v4.1: 122 of 1,517,166 alleles (0.008%); highest among the groups gnomAD compares: Non-Finnish European, 0.0098%; no homozygotes.

Submissions (3):

Labcorp Genetics (formerly Invitae), Labcorp
Classification: Uncertain significance. Last evaluated: 2025-02-17. Review status: criteria provided, single submitter. Criteria: Invitae Variant Classification Sherloc (09022015). Collection method: clinical testing. Allele origin: germline.
Comment: This sequence change replaces valine, which is neutral and non-polar, with leucine, which is neutral and non-polar, at codon 291 of the PRDM13 protein (p.Val291Leu). This variant is present in population databases (rs767721224, gnomAD 0.02%). This variant has not been reported in the literature in individuals affected with PRDM13-related conditions. ClinVar contains an entry for this variant (Variation ID: 1432752). An algorithm developed to predict the effect of missense changes on protein structure and function (PolyPhen-2) suggests that this variant is likely to be tolerated. In summary, the available evidence is currently insufficient to determine the role of this variant in disease. Therefore, it has been classified as a Variant of Uncertain Significance.

Laboratory of Genetics, Children's Clinical University Hospital Latvia
Classification: Benign. Last evaluated: 2025-02-16. Review status: criteria provided, single submitter. Criteria: ACMG Guidelines, 2015. Collection method: clinical testing. Allele origin: germline. Affected: yes.

Ambry Genetics
Classification: Uncertain significance for Inborn genetic diseases. Last evaluated: 2024-05-12. Review status: criteria provided, single submitter. Criteria: Ambry Variant Classification Scheme 2023. Collection method: clinical testing. Allele origin: germline.

NM_021620.4(PRDM13):c.871G>C (p.Val291Leu)

Gene: PRDM13 (PR/SET domain 13; plus strand). Cytogenetic location: 6q16.2.
Variant type: single nucleotide variant.
Coding change: c.871G>C on transcript NM_021620.4 (MANE Select); coding-DNA position 871, G replaced by C.
Protein change: p.Val291Leu; replaces valine 291 with leucine.
Molecular consequence: missense variant.
Genome position (GRCh38, 1-based): chr6:99,613,506, G>C. VCF-style: chr6-99613506-G-C. GRCh37 (hg19) VCF-style: chr6-100061382-G-C.
Other names: c.871G>C (NM_021620.3); short protein forms V291L.
Identifiers: ClinVar variation 1432752 (VCV001432752.10), dbSNP rs767721224, ClinGen allele CA3936292.